The following is an entry in ClinVar:

ClinVar aggregate classification (germline): Benign (0 of 4 stars; one submission).

Conditions:
CDH19-related disorder. Also called: CDH19-related condition.

Allele frequency attached by ClinVar (database versions not stated): gnomAD exomes 0.00070; ExAC 0.00215; gnomAD 0.00716; ESP Exome Variant Server 0.00738; 1000 Genomes Project 30x 0.00765; 1000 Genomes Project 0.00779; TOPMed 0.00840.
gnomAD v4.1: 2,167 of 1,611,400 alleles (0.13%); highest among the groups gnomAD compares: African/African-American, 2.4%; 25 homozygotes.

Submission:

PreventionGenetics, part of Exact Sciences
Classification: Benign for CDH19-related condition. Last evaluated: 2019-03-18. Review status: no assertion criteria provided. Collection method: clinical testing. Allele origin: germline.
Comment: This variant is classified as benign based on ACMG/AMP sequence variant interpretation guidelines (Richards et al. 2015 PMID: 25741868, with internal and published modifications).

NM_021153.4(CDH19):c.55T>A (p.Cys19Ser)

Gene: CDH19 (cadherin 19; minus strand). Cytogenetic location: 18q22.1.
Variant type: single nucleotide variant.
Coding change: c.55T>A on transcript NM_021153.4 (MANE Select); coding-DNA position 55, T replaced by A.
Protein change: p.Cys19Ser; replaces cysteine 19 with serine.
Molecular consequence: missense variant. On other transcripts: non-coding transcript variant (1).
Genome position (GRCh38, 1-based): chr18:66,572,150, A>T on the plus strand (T>A on the coding strand, the complement: CDH19 is on the minus strand). VCF-style: chr18-66572150-A-T. GRCh37 (hg19) VCF-style: chr18-64239387-A-T.
Other names: c.55T>A, p.Cys19Ser (NM_001271028.2); short protein forms C19S.
Identifiers: ClinVar variation 3034382 (VCV003034382.2), dbSNP rs116708360, ClinGen allele CA8992292.